The following is an entry in ClinVar:

ClinVar aggregate classification (germline): Uncertain significance (1 of 4 stars; one submission).

Conditions:
Inborn genetic diseases. Identifiers: MedGen C0950123, MeSH D030342.

gnomAD v4.1: 4 of 1,613,828 alleles (0.00025%); highest among the groups gnomAD compares: Non-Finnish European, 0.00025%; no homozygotes.

Submission:

Ambry Genetics
Classification: Uncertain significance for Inborn genetic diseases. Last evaluated: 2026-05-26. Review status: criteria provided, single submitter. Criteria: Ambry Variant Classification Scheme 2023. Collection method: clinical testing. Allele origin: germline.
Comment: The c.339G>A (p.V113V) alteration is located in exon 4 (coding exon 4) of the FDXR gene. This alteration consists of a G to A substitution at nucleotide position 339. This nucleotide substitution does not change the amino acid at codon 113. This variant was not reported in population-based cohorts in the Genome Aggregation Database (gnomAD). This variant has been identified in conjunction with other FDXR variant(s) in individual(s) with features consistent with FDXR-related mitochondrial encephalomyopathy (Campbell, 2024; Pignatti, 2024). This nucleotide position is well conserved in available vertebrate species. RNA studies have demonstrated that this variant results in an incomplete splice defect; the clinical impact of this abnormal splicing is unknown at this time (Ambry internal data). In silico splice site analysis predicts that this alteration will not have any significant effect on splicing. Based on insufficient or conflicting evidence, the clinical significance of this alteration remains unclear.

Literature cited by the submitters: PubMed 38885337; PubMed 39669623.

NM_024417.5(FDXR):c.339G>A (p.Val113=)

Gene: FDXR (ferredoxin reductase; minus strand). Cytogenetic location: 17q25.1.
Variant type: single nucleotide variant.
Coding change: c.339G>A on transcript NM_024417.5 (MANE Select); coding-DNA position 339, G replaced by A.
Protein change: p.Val113=; no amino-acid change (valine 113 retained).
Molecular consequence: synonymous variant. On other transcripts: non-coding transcript variant (1), intron variant (1).
Genome position (GRCh38, 1-based): chr17:74,866,500, C>T on the plus strand (G>A on the coding strand, the complement: FDXR is on the minus strand). VCF-style: chr17-74866500-C-T. GRCh37 (hg19) VCF-style: chr17-72862622-C-T.
Other names: c.468G>A, p.Val156= (NM_001258012.4); c.432G>A, p.Val144= (NM_001258013.4); c.315G>A, p.Val105= (NM_001258014.4); c.183G>A, p.Val61= (NM_001258016.3); c.339G>A, p.Val113= (NM_004110.6); c.274-256G>A (NM_001258015.3).
Identifiers: ClinVar variation 4871299 (VCV004871299.1).
Genomic context (GRCh38, chr17:74,866,500, plus strand): 5'-ACTCACCAGCACCACAGCGTGGTAGGCCTCCTGCAGCTCCGGCACCGTCACGTCCCTGCC[C>T]ACCTCCACGTTGCCCCAGAAGGCACAGCGGCCAGAATGGGCCGTCTGGGTAAATGTGTTG-3'
Protein context (NP_077728.3, residues 103-123): GRCAFWGNVE[Val113=]GRDVTVPELQ